The following is an entry in ClinVar:

ClinVar aggregate classification (germline): Uncertain significance (1 of 4 stars; one submission).

Allele frequency attached by ClinVar (database versions not stated): ExAC 0.00001; gnomAD 0.00001.

Submission:

Labcorp Genetics (formerly Invitae), Labcorp
Classification: Uncertain significance. Last evaluated: 2022-07-15. Review status: criteria provided, single submitter. Criteria: Invitae Variant Classification Sherloc (09022015). Collection method: clinical testing. Allele origin: germline.
Comment: This variant has not been reported in the literature in individuals affected with NEUROG3-related conditions. In summary, the available evidence is currently insufficient to determine the role of this variant in disease. Therefore, it has been classified as a Variant of Uncertain Significance. Algorithms developed to predict the effect of missense changes on protein structure and function (SIFT, PolyPhen-2, Align-GVGD) all suggest that this variant is likely to be disruptive. This variant is present in population databases (rs766165230, gnomAD 0.003%). This sequence change replaces arginine, which is basic and polar, with cysteine, which is neutral and slightly polar, at codon 140 of the NEUROG3 protein (p.Arg140Cys).

NM_020999.4(NEUROG3):c.418C>T (p.Arg140Cys)

Gene: NEUROG3 (neurogenin 3; minus strand). Cytogenetic location: 10q22.1.
Variant type: single nucleotide variant.
Coding change: c.418C>T on transcript NM_020999.4 (MANE Select); coding-DNA position 418, C replaced by T.
Protein change: p.Arg140Cys; replaces arginine 140 with cysteine.
Molecular consequence: missense variant.
Genome position (GRCh38, 1-based): chr10:69,572,626, G>A on the plus strand (C>T on the coding strand, the complement: NEUROG3 is on the minus strand). VCF-style: chr10-69572626-G-A. GRCh37 (hg19) VCF-style: chr10-71332382-G-A.
Other names: short protein forms R140C.
Identifiers: ClinVar variation 1938906 (VCV001938906.3), dbSNP rs766165230, ClinGen allele CA5533711.